The following is an entry in ClinVar:

ClinVar aggregate classification (germline): Conflicting classifications of pathogenicity. Review status: criteria provided, conflicting classifications (1 of 4 stars). 4 submissions from 4 submitters: Uncertain significance (1); Benign (1). 2 of the submissions do not count toward it. Last evaluated 2024-05-23.

Submissions (4):

Mayo Clinic Laboratories, Mayo Clinic
Classification: Benign. Last evaluated: 2024-05-23. Review status: criteria provided, single submitter. Criteria: ACMG Guidelines, 2015. Collection method: clinical testing. Allele origin: germline. Observed: 185 variant alleles.
Comment: BA1, BP4, BP7

Breakthrough Genomics
Classification: Uncertain significance. Review status: criteria provided, single submitter. Criteria: ACMG Guidelines, 2015. Collection method: not provided. Allele origin: germline. Inheritance: Autosomal recessive inheritance. Affected: yes.

Clinical Genetics DNA and cytogenetics Diagnostics Lab, Erasmus MC, Erasmus Medical Center
Classification: Benign. Review status: no assertion criteria provided. Collection method: clinical testing. Allele origin: germline. Affected: yes. Study: VKGL Data-share Consensus. Not counted in ClinVar's aggregate classification.

Clinical Genetics, Academic Medical Center
Classification: Benign. Review status: no assertion criteria provided. Collection method: clinical testing. Allele origin: germline. Affected: yes. Study: VKGL Data-share Consensus. Not counted in ClinVar's aggregate classification.

NM_032122.5(DTNBP1):c.489-8del

Gene: DTNBP1 (dystrobrevin binding protein 1; minus strand). Cytogenetic location: 6p22.3.
Variant type: Deletion.
Coding change: c.489-8del on transcript NM_032122.5 (MANE Select); 8 bases into the intron before coding-DNA position 489, one base deleted (T; older notation c.489-8delT).
Molecular consequence: intron variant.
Genome position (GRCh38, 1-based): chr6:15,593,089, A deleted on the plus strand (T on the coding strand, the reverse complement: DTNBP1 is on the minus strand); the first of 14 consecutive A bases (chr6:15,593,089-15,593,102); deleting any one gives the same sequence. VCF-style (leftmost placement, unchanged base first): chr6-15593088-GA-G. GRCh37 (hg19) VCF-style: chr6-15593319-GA-G.
Other names: p.?; c.489-8del (NM_032122.4, NM_183040.2); c.384-8del (NM_001271669.2); c.438-8del (NM_001271668.2); c.246-8del (NM_001271667.2).
Identifiers: ClinVar variation 355970 (VCV000355970.10), dbSNP rs199770715, ClinGen allele CA3644075.